The following is an entry in ClinVar:

ClinVar aggregate classification (germline): Conflicting classifications of pathogenicity. Review status: criteria provided, conflicting classifications (1 of 4 stars). 5 submissions from 5 submitters: Uncertain significance (4); Likely benign (1). Last evaluated 2024-09-13.

Conditions:
Inborn genetic diseases. Identifiers: MedGen C0950123, MeSH D030342.
Intellectual developmental disorder, autosomal dominant 52. Also called: Intellectual disability, autosomal dominant 52; Mental retardation, autosomal dominant 52. Identifiers: MedGen C4540478, MONDO:0030918, OMIM 617796.

Allele frequency attached by ClinVar (database versions not stated): gnomAD 0.00001.
gnomAD v4.1: 6 of 1,613,954 alleles (0.00037%); highest among the groups gnomAD compares: African/African-American, 0.0067%; no homozygotes.

Submissions (5):

Blueprint Genetics
Classification: Likely benign. Last evaluated: 2024-09-13. Review status: criteria provided, single submitter. Criteria: ACMG Guidelines, 2015. Collection method: clinical testing. Allele origin: germline.

CeGaT Center for Human Genetics Tuebingen
Classification: Uncertain significance. Last evaluated: 2023-08-01. Review status: criteria provided, single submitter. Criteria: CeGaT Center For Human Genetics Tuebingen Variant Classification Criteria Version 2. Collection method: clinical testing. Allele origin: germline. Affected: yes. Observed: 1 variant allele.
Comment: ASH1L: PM2

Genome-Nilou Lab
Classification: Uncertain significance for Intellectual developmental disorder, autosomal dominant 52. Last evaluated: 2023-04-11. Review status: criteria provided, single submitter. Criteria: ACMG Guidelines, 2015. Collection method: clinical testing. Allele origin: germline. Affected: no.

Ambry Genetics
Classification: Uncertain significance for Inborn genetic diseases. Last evaluated: 2022-10-27. Review status: criteria provided, single submitter. Criteria: Ambry Variant Classification Scheme 2023. Collection method: clinical testing. Allele origin: germline.

Victorian Clinical Genetics Services, Murdoch Childrens Research Institute
Classification: Uncertain significance for Intellectual developmental disorder, autosomal dominant 52. Last evaluated: 2021-05-06. Review status: criteria provided, single submitter. Criteria: ACMG Guidelines, 2015. Collection method: clinical testing. Allele origin: germline. Inheritance: Autosomal dominant inheritance. Affected: yes.
Comment: Based on the classification scheme VCGS_Germline_v1.3.4, this variant is classified as VUS-3A. Following criteria are met: 0102 - Loss of function is a known mechanism of disease in this gene and is associated with ASH1L-related intellectual disability. The mechanism of missense variants is unknown. (I) 0107 - This gene is associated with autosomal dominant disease. (I) 0200 - Variant is predicted to result in a missense amino acid change from serine to phenylalanine. (I) 0251 - This variant is heterozygous. (I) 0301 - Variant is absent from gnomAD (both v2 and v3). (SP) 0309 - An inframe deletion of the same position has been observed in gnomAD (v2) (5 heterozygotes, 0 homozygotes). (I) 0501 - Missense variant consistently predicted to be damaging by multiple in silico tools or highly conserved with a major amino acid change. (SP) 0604 - Variant is not located in an established domain, motif, hotspot or informative constraint region. (I) 0705 - No comparable missense variants have previous evidence for pathogenicity. (I) 0803 - This variant has limited previous evidence of pathogenicity in an unrelated individual. This variant has been reported as likely pathogenic in a patient with cognitive impairment, generalized seizures, uplifted earlobe, strabismus and long palpebral fissure (Decipher). (SP) 0905 - No published segregation evidence has been identified for this variant. (I) 1007 - No published functional evidence has been identified for this variant. (I) 1208 - Inheritance information for this variant is not currently available in this individual. (I) Legend: (SP) - Supporting pathogenic, (I) - Information, (SB) - Supporting benign

NM_018489.3(ASH1L):c.4484C>T (p.Ser1495Phe)

Gene: ASH1L (ASH1 like histone lysine methyltransferase; minus strand). Cytogenetic location: 1q22.
Variant type: single nucleotide variant.
Coding change: c.4484C>T on transcript NM_018489.3 (MANE Select); coding-DNA position 4484, C replaced by T.
Protein change: p.Ser1495Phe; replaces serine 1495 with phenylalanine.
Molecular consequence: missense variant.
Genome position (GRCh38, 1-based): chr1:155,478,386, G>A on the plus strand (C>T on the coding strand, the complement: ASH1L is on the minus strand). VCF-style: chr1-155478386-G-A. GRCh37 (hg19) VCF-style: chr1-155448177-G-A.
Other names: c.4484C>T, p.Ser1495Phe (NM_001366177.2); short protein forms S1495F.
Identifiers: ClinVar variation 1805863 (VCV001805863.29), dbSNP rs1665720555, ClinGen allele CA342701526.